The following is an entry in ClinVar:

NM_000038.6(APC):c.448A>T (p.Lys150Ter)

Gene: APC (APC regulator of Wnt signaling pathway; plus strand). Cytogenetic location: 5q22.2.
Variant type: single nucleotide variant.
Coding change: c.448A>T on transcript NM_000038.6 (MANE Select); coding-DNA position 448, A replaced by T.
Protein change: p.Lys150Ter; replaces lysine 150 with a stop codon.
Molecular consequence: nonsense. On other transcripts: 5 prime UTR variant (1).
Genome position (GRCh38, 1-based): chr5:112,775,654, A>T. VCF-style: chr5-112775654-A-T. GRCh37 (hg19) VCF-style: chr5-112111351-A-T.
Other names: c.448A>T, p.Lys150Ter (NM_001127510.3, NM_001354895.2, NM_001354896.2 and 2 more transcripts); c.478A>T, p.Lys160Ter (NM_001127511.3, NM_001354897.2, NM_001354902.2); c.373A>T, p.Lys125Ter (NM_001354898.2, NM_001354904.2); c.271A>T, p.Lys91Ter (NM_001354900.2, NM_001354901.2, NM_001354905.2); c.-588A>T (NM_001354906.2); short protein forms K150*, K160*, K91*, K125*.
Identifiers: ClinVar variation 236598 (VCV000236598.10), dbSNP rs878853444, ClinGen allele CA10582275.

ClinVar aggregate classification (germline): Pathogenic. Review status: criteria provided, multiple submitters, no conflicts (2 of 4 stars). 2 submissions from 2 submitters: Pathogenic (2). Last evaluated 2016-07-11.

Conditions:
Familial adenomatous polyposis 1 (FAP1). Also called: FAMILIAL ADENOMATOUS POLYPOSIS 1, ATTENUATED; POLYPOSIS, ADENOMATOUS INTESTINAL. Identifiers: MedGen C2713442, MONDO:0021056, OMIM 175100. Disease mechanism: loss of function.

Submissions (2):

GeneDx
Classification: Pathogenic. Last evaluated: 2016-07-11. Review status: criteria provided, single submitter. Criteria: GeneDx Variant Classification (06012015). Collection method: clinical testing. Allele origin: germline. Affected: yes.
Comment: This variant is denoted APC c.448A>T at the cDNA level and p.Lys150Ter (K150X) at the protein level. The substitution creates a nonsense variant, which changes a Lysine to a premature stop codon (AAA>TAA), and is predicted to cause loss of normal protein function through either protein truncation or nonsense-mediated mRNA decay. This variant has been identified in an individual with between 40 and 100 colon polyps, multiple gastroduodenal polyps, as well as gastric cancer (Tao 2010), and is considered pathogenic.

Labcorp Genetics (formerly Invitae), Labcorp
Classification: Pathogenic for Familial adenomatous polyposis 1. Last evaluated: 2015-12-20. Review status: criteria provided, single submitter. Criteria: Invitae Variant Classification Sherloc (09022015). Collection method: clinical testing. Allele origin: germline.
Comment: This sequence change creates a premature translational stop signal at codon 150 (p.Lys150*). It is expected to result in an absent or disrupted protein product. Truncating variants in APC are known to be pathogenic. This particular truncation has been reported in the literature in a patient affected with attenuated familial adenomatous polyposis (PMID: 21078199). For these reasons, this variant has been classified as Pathogenic.

Literature cited by the submitters: PubMed 21078199 (cited by Labcorp Genetics (formerly Invitae), Labcorp).